The following is an entry in ClinVar:

ClinVar aggregate classification (germline): Uncertain significance (1 of 4 stars; one submission).

Conditions:
Hereditary cancer-predisposing syndrome. Also called: Hereditary neoplastic syndrome; Neoplastic Syndromes, Hereditary; Tumor predisposition; Hereditary Cancer Syndrome. Identifiers: Orphanet 140162, MedGen C0027672, MeSH D009386, MONDO:0015356.

Submission:

Ambry Genetics
Classification: Uncertain significance for Hereditary cancer-predisposing syndrome. Last evaluated: 2025-07-14. Review status: criteria provided, single submitter. Criteria: Ambry Variant Classification Scheme 2023. Collection method: clinical testing. Allele origin: germline.
Comment: The p.A672V variant (also known as c.2015C>T), located in coding exon 16 of the POLD1 gene, results from a C to T substitution at nucleotide position 2015. The alanine at codon 672 is replaced by valine, an amino acid with similar properties. This amino acid position is conserved. In addition, this alteration is predicted to be tolerated by in silico analysis. Based on the available evidence, the clinical significance of this variant remains unclear.

NM_002691.4(POLD1):c.2015C>T (p.Ala672Val)

Gene: POLD1 (DNA polymerase delta 1, catalytic subunit; plus strand). Cytogenetic location: 19q13.33.
Variant type: single nucleotide variant.
Coding change: c.2015C>T on transcript NM_002691.4 (MANE Select); coding-DNA position 2015, C replaced by T.
Protein change: p.Ala672Val; replaces alanine 672 with valine.
Molecular consequence: missense variant. On other transcripts: non-coding transcript variant (1).
Genome position (GRCh38, 1-based): chr19:50,409,527, C>T. VCF-style: chr19-50409527-C-T. GRCh37 (hg19) VCF-style: chr19-50912784-C-T.
Other names: c.2015C>T, p.Ala672Val (NM_001256849.1, NM_001438210.1, NM_001438211.1 and 2 more transcripts); c.2093C>T, p.Ala698Val (NM_001308632.1); short protein forms A672V, A698V.
Identifiers: ClinVar variation 4141003 (VCV004141003.1).